The following is an entry in ClinVar:

ClinVar aggregate classification (germline): Uncertain significance (1 of 4 stars; one submission).

gnomAD v4.1: 27 of 1,613,980 alleles (0.0017%); highest among the groups gnomAD compares: Non-Finnish European, 0.002%; no homozygotes.

Submission:

GeneDx
Classification: Uncertain significance. Last evaluated: 2023-11-14. Review status: criteria provided, single submitter. Criteria: GeneDx Variant Classification Process June 2021. Collection method: clinical testing. Allele origin: germline. Affected: yes.
Comment: Not observed at significant frequency in large population cohorts (gnomAD); In silico analysis supports that this missense variant does not alter protein structure/function; Has not been previously published as pathogenic or benign to our knowledge

NM_000141.5(FGFR2):c.1277G>A (p.Arg426Lys)

Gene: FGFR2 (fibroblast growth factor receptor 2; minus strand). Cytogenetic location: 10q26.13.
Variant type: single nucleotide variant.
Coding change: c.1277G>A on transcript NM_000141.5 (MANE Select); coding-DNA position 1277, G replaced by A.
Protein change: p.Arg426Lys; replaces arginine 426 with lysine.
Molecular consequence: missense variant. On other transcripts: non-coding transcript variant (1), intron variant (1).
Genome position (GRCh38, 1-based): chr10:121,515,127, C>T on the plus strand (G>A on the coding strand, the complement: FGFR2 is on the minus strand). VCF-style: chr10-121515127-C-T. GRCh37 (hg19) VCF-style: chr10-123274641-C-T.
Other names: c.1280G>A, p.Arg427Lys (NM_001144913.1, NM_022970.4); c.941G>A, p.Arg314Lys (NM_001144914.1); c.1010G>A, p.Arg337Lys (NM_001144915.2, NM_023029.3); c.932G>A, p.Arg311Lys (NM_001144916.2, NM_001144918.2); c.1013G>A, p.Arg338Lys (NM_001144919.2); c.593G>A, p.Arg198Lys (NM_001320654.2); c.1277G>A, p.Arg426Lys (NM_001320658.2); c.939+4852G>A (NM_001144917.2); short protein forms R198K, R311K, R314K, R337K, R338K, R426K, R427K.
Identifiers: ClinVar variation 3363738 (VCV003363738.1).